The following is an entry in ClinVar:

ClinVar aggregate classification (germline): Uncertain significance. Review status: criteria provided, multiple submitters, no conflicts (2 of 4 stars). 2 submissions from 2 submitters: Uncertain significance (2). Last evaluated 2022-03-26.

Conditions:
Autosomal dominant hypocalcemia 1 (HYPOC1). Also called: HYPOCALCEMIA, FAMILIAL. Identifiers: MedGen C3715128, MONDO:0011013, OMIM 601198.
Familial hypocalciuric hypercalcemia (FHH). Also called: Familial benign hypercalcemia. Identifiers: Orphanet 405, MedGen C1809471, MONDO:0018458.
Nephrolithiasis/nephrocalcinosis. Identifiers: MedGen CN580796.

Allele frequency attached by ClinVar (database versions not stated): gnomAD exomes 0.00001.
gnomAD v4.1: 4 of 1,612,866 alleles (0.00025%); highest among the groups gnomAD compares: South Asian, 0.0044%; no homozygotes.

Submissions (2):

Ambry Genetics
Classification: Uncertain significance for Nephrolithiasis/nephrocalcinosis. Last evaluated: 2022-03-26. Review status: criteria provided, single submitter. Criteria: Ambry Variant Classification Scheme 2023. Collection method: clinical testing. Allele origin: germline.
Comment: The p.H1010R variant (also known as c.3029A>G), located in coding exon 6 of the CASR gene, results from an A to G substitution at nucleotide position 3029. The histidine at codon 1010 is replaced by arginine, an amino acid with highly similar properties. This amino acid position is conserved. In addition, this alteration is predicted to be tolerated by in silico analysis. Since supporting evidence is limited at this time, the clinical significance of this alteration remains unclear.

Labcorp Genetics (formerly Invitae), Labcorp
Classification: Uncertain significance for Familial hypocalciuric hypercalcemia; Autosomal dominant hypocalcemia 1. Last evaluated: 2020-09-02. Review status: criteria provided, single submitter. Criteria: Invitae Variant Classification Sherloc (09022015). Collection method: clinical testing. Allele origin: germline.
Comment: Algorithms developed to predict the effect of missense changes on protein structure and function output the following: SIFT: "Tolerated"; PolyPhen-2: "Benign"; Align-GVGD: "Class C0". The arginine amino acid residue is found in multiple mammalian species, suggesting that this missense change does not adversely affect protein function. These predictions have not been confirmed by published functional studies and their clinical significance is uncertain. This variant has not been reported in the literature in individuals with CASR-related conditions. This variant is not present in population databases (ExAC no frequency). This sequence change replaces histidine with arginine at codon 1010 of the CASR protein (p.His1010Arg). The histidine residue is moderately conserved and there is a small physicochemical difference between histidine and arginine. In summary, the available evidence is currently insufficient to determine the role of this variant in disease. Therefore, it has been classified as a Variant of Uncertain Significance.

NM_000388.4(CASR):c.3029A>G (p.His1010Arg)

Gene: CASR (calcium sensing receptor; plus strand). Cytogenetic location: 3q21.1.
Variant type: single nucleotide variant.
Coding change: c.3029A>G on transcript NM_000388.4 (MANE Select); coding-DNA position 3029, A replaced by G.
Protein change: p.His1010Arg; replaces histidine 1010 with arginine.
Molecular consequence: missense variant.
Genome position (GRCh38, 1-based): chr3:122,284,983, A>G. VCF-style: chr3-122284983-A-G. GRCh37 (hg19) VCF-style: chr3-122003830-A-G.
Other names: c.3059A>G, p.His1020Arg (NM_001178065.2); short protein forms H1010R, H1020R.
Identifiers: ClinVar variation 1056372 (VCV001056372.12), dbSNP rs547957679, ClinGen allele CA354161293.
Genomic context (GRCh38, chr3:122,284,983, plus strand): 5'-GGAATTCTACGCACCAGAACTCCCTGGAGGCCCAGAAAAGCAGCGATACGCTGACCCGAC[A>G]CGAGCCATTACTCCCGCTGCAGTGCGGGGAAACGGACTTAGATCTGACCGTCCAGGAAAC-3'
Protein context (NP_000379.3, residues 1000-1020): AQKSSDTLTR[His1010Arg]EPLLPLQCGE